The following is an entry in ClinVar:

ClinVar aggregate classification (germline): Pathogenic (3 of 4 stars; one submission).

Conditions:
Breast-ovarian cancer, familial, susceptibility to, 2 (BROVCA2). Also called: BRCA2 Hereditary Breast and Ovarian Cancer. Identifiers: Orphanet 145, MedGen C2675520, MONDO:0012933, OMIM 612555. Disease mechanism: loss of function.

Submission:

Evidence-based Network for the Interpretation of Germline Mutant Alleles (ENIGMA)
Classification: Pathogenic for Breast-ovarian cancer, familial, susceptibility to, 2. Last evaluated: 2016-09-08. Review status: reviewed by expert panel. Criteria: ENIGMA BRCA1/2 Classification Criteria (2015). Collection method: curation. Allele origin: germline.
Comment: Variant allele predicted to encode a truncated non-functional protein.

NM_000059.4(BRCA2):c.9366_9367del (p.Ser3123fs)

Gene: BRCA2 (BRCA2 DNA repair associated; plus strand). Cytogenetic location: 13q13.1.
Variant type: Deletion.
Coding change: c.9366_9367del on transcript NM_000059.4 (MANE Select); coding-DNA positions 9366 to 9367, 2 bases deleted (AA; older notation c.9366_9367delAA).
Protein change: p.Ser3123fs; shifts the reading frame from serine 3123.
Molecular consequence: frameshift variant.
Genome position (GRCh38, 1-based): chr13:32,394,798-32,394,799, AA deleted. VCF-style (leftmost placement, unchanged base first): chr13-32394797-CAA-C. GRCh37 (hg19) VCF-style: chr13-32968934-CAA-C.
Other names: c.9366_9367delAA (NM_000059.3); short protein forms S3123fs.
Identifiers: ClinVar variation 254633 (VCV000254633.4), dbSNP rs886038192, ClinGen allele CA10586597.
Genomic context (GRCh38, chr13:32,394,797, plus strand): 5'-CAATAAAGTTTTGGATAGACCTTAATGAGGACATTATTAAGCCTCATATGTTAATTGCTG[CAA>C]GCAACCTCCAGTGGCGACCAGAATCCAAATCAGGCCTTCTTACTTTATTTGCTGGAGATT-3'